The following is an entry in ClinVar:

ClinVar aggregate classification (germline): Uncertain significance (1 of 4 stars; one submission).

gnomAD v4.1: 1 of 1,613,930 alleles (0.000062%); highest among the groups gnomAD compares: Non-Finnish European, 0.000085%; no homozygotes.

Submission:

Women's Health and Genetics/Laboratory Corporation of America, LabCorp
Classification: Uncertain significance. Last evaluated: 2026-06-11. Review status: criteria provided, single submitter. Criteria: LabCorp Variant Classification Summary - May 2015. Collection method: clinical testing. Allele origin: germline.
Comment: Variant summary: RYR2 c.7859A>T (p.Tyr2620Phe) results in a conservative amino acid change in the encoded protein sequence. Algorithms developed to predict the effect of missense changes on protein structure and function are either unavailable or do not agree on the potential impact of this missense change. The variant was absent in 249200 control chromosomes. The available data on variant occurrences in the general population are insufficient to allow any conclusion about variant significance. To our knowledge, no occurrence of c.7859A>T in individuals affected with RYR2-related conditions and no experimental evidence demonstrating its impact on protein function have been reported. No submitters have cited clinical-significance assessments for this variant to ClinVar. Based on the evidence outlined above, the variant was classified as uncertain significance.

NM_001035.3(RYR2):c.7859A>T (p.Tyr2620Phe)

Gene: RYR2 (ryanodine receptor 2; plus strand). Cytogenetic location: 1q43.
Variant type: single nucleotide variant.
Coding change: c.7859A>T on transcript NM_001035.3 (MANE Select); coding-DNA position 7859, A replaced by T.
Protein change: p.Tyr2620Phe; replaces tyrosine 2620 with phenylalanine.
Molecular consequence: missense variant.
Genome position (GRCh38, 1-based): chr1:237,654,308, A>T. VCF-style: chr1-237654308-A-T. GRCh37 (hg19) VCF-style: chr1-237817608-A-T.
Other names: short protein forms Y2620F.
Identifiers: ClinVar variation 4887331 (VCV004887331.1).
Genomic context (GRCh38, chr1:237,654,308, plus strand): 5'-GCTTTTATAATTGTTTTCCCACATAGCTGCTGACAAATCATTATGAAAGATGCTGGAAAT[A>T]TTACTGCCTGCCTGGAGGGTGGGGAAACTTTGGTGCTGCCTCAGAAGAAGAACTTCATTT-3'
Protein context (NP_001026.2, residues 2610-2630): LTNHYERCWK[Tyr2620Phe]YCLPGGWGNF